The following is an entry in ClinVar:

ClinVar aggregate classification (germline): Uncertain significance (1 of 4 stars; one submission).

gnomAD v4.1: 9 of 1,560,694 alleles (0.00058%); highest among the groups gnomAD compares: Admixed American, 0.0019%; no homozygotes.

Submission:

CeGaT Center for Human Genetics Tuebingen
Classification: Uncertain significance. Last evaluated: 2026-05-01. Review status: criteria provided, single submitter. Criteria: CeGaT Center For Human Genetics Tuebingen Variant Classification Criteria Version 2. Collection method: clinical testing. Allele origin: germline. Affected: yes. Observed: 1 variant allele.
Comment: HYDIN: PM2, BP4

NM_001270974.2(HYDIN):c.9410G>A (p.Arg3137His)

Gene: HYDIN (HYDIN axonemal central pair apparatus protein; minus strand). Cytogenetic location: 16q22.2.
Variant type: single nucleotide variant.
Coding change: c.9410G>A on transcript NM_001270974.2 (MANE Select); coding-DNA position 9410, G replaced by A.
Protein change: p.Arg3137His; replaces arginine 3137 with histidine.
Molecular consequence: missense variant.
Genome position (GRCh38, 1-based): chr16:70,892,368, C>T on the plus strand (G>A on the coding strand, the complement: HYDIN is on the minus strand). VCF-style: chr16-70892368-C-T. GRCh37 (hg19) VCF-style: chr16-70926271-C-T.
Other names: short protein forms R3137H.
Identifiers: ClinVar variation 4872590 (VCV004872590.2).